The following is an entry in ClinVar:

ClinVar aggregate classification (germline): Pathogenic. Review status: criteria provided, multiple submitters, no conflicts (2 of 4 stars). 3 submissions from 3 submitters: Pathogenic (3). Last evaluated 2024-10-31.

Conditions:
Familial cancer of breast. Also called: BREAST CANCER, FAMILIAL; Hereditary breast cancer; hereditary breast carcinoma. Identifiers: Orphanet 227535, MedGen C0346153, MONDO:0016419, OMIM 114480. Disease mechanism: loss of function.
Hereditary cancer-predisposing syndrome. Also called: Neoplastic Syndromes, Hereditary; Tumor predisposition; Hereditary Cancer Syndrome; Hereditary neoplastic syndrome. Identifiers: Orphanet 140162, MedGen C0027672, MeSH D009386, MONDO:0015356.
Malignant tumor of breast. Also called: Malignant breast neoplasm; Cancer breast. Identifiers: MedGen C0006142, MONDO:0007254. Disease mechanism: loss of function.

Submissions (3):

Women's Health and Genetics/Laboratory Corporation of America, LabCorp
Classification: Pathogenic for Malignant tumor of breast. Last evaluated: 2024-10-31. Review status: criteria provided, single submitter. Criteria: LabCorp Variant Classification Summary - May 2015. Collection method: clinical testing. Allele origin: germline.
Comment: Variant summary: PALB2 c.1059_1077delinsGG (p.Ser354GlyfsX4) results in a premature termination codon, predicted to cause a truncation of the encoded protein or absence of the protein due to nonsense mediated decay, which are commonly known mechanisms for disease. The variant allele was found at a frequency of 3.7e-06 in 1607166 control chromosomes in the gnomAD database (v4.1 dataset). c.1059_1077delinsGG has been reported in the literature in individual(s) affected with Breast Cancer (e.g. Woodward_2021). To our knowledge, no experimental evidence demonstrating an impact on protein function has been reported. The following publication have been ascertained in the context of this evaluation (PMID: 34113003). ClinVar contains an entry for this variant (Variation ID: 484183). Based on the evidence outlined above, the variant was classified as pathogenic.

Myriad Genetics, Inc.
Classification: Pathogenic for Familial cancer of breast. Last evaluated: 2023-09-07. Review status: criteria provided, single submitter. Criteria: Myriad Autosomal Dominant, Autosomal Recessive and X-Linked Classification Criteria (2023). Collection method: clinical testing. Allele origin: unknown.
Comment: This variant is considered pathogenic. This variant creates a frameshift predicted to result in premature protein truncation.

Ambry Genetics
Classification: Pathogenic for Hereditary cancer-predisposing syndrome. Last evaluated: 2017-11-28. Review status: criteria provided, single submitter. Criteria: Ambry Variant Classification Scheme 2023. Collection method: clinical testing. Allele origin: germline.
Comment: The c.1059_1077del19insGG variant, located in coding exon 4 of the PALB2 gene, results from the deletion of 19 nucleotides and insertion of two nucleotides causing a translational frameshift with a predicted alternate stop codon (p.S354Gfs*4). This alteration is expected to result in loss of function by premature protein truncation or nonsense-mediated mRNA decay. As such, this alteration is interpreted as a disease-causing mutation.

Literature cited by the submitters: PubMed 34113003 (cited by Women's Health and Genetics/Laboratory Corporation of America, LabCorp).

NM_024675.4(PALB2):c.1059_1077delinsGG (p.Ser354fs)

Gene: PALB2 (partner and localizer of BRCA2; minus strand). Cytogenetic location: 16p12.2.
Variant type: Indel.
Coding change: c.1059_1077delinsGG on transcript NM_024675.4 (MANE Select); coding-DNA positions 1059 to 1077, ATCTTTAAAATCTCCCAGT replaced by GG.
Protein change: p.Ser354fs; shifts the reading frame from serine 354.
Molecular consequence: frameshift variant.
Genome position (GRCh38, 1-based): chr16:23,635,469-23,635,487, ACTGGGAGATTTTAAAGAT replaced by CC on the plus strand (ATCTTTAAAATCTCCCAGT replaced by GG on the coding strand, the reverse complement: PALB2 is on the minus strand). VCF-style: chr16-23635469-ACTGGGAGATTTTAAAGAT-CC. GRCh37 (hg19) VCF-style: chr16-23646790-ACTGGGAGATTTTAAAGAT-CC.
Other names: short protein forms S354fs.
Identifiers: ClinVar variation 484183 (VCV000484183.7), dbSNP rs1555461460, ClinGen allele CA658658430.